The following is an entry in ClinVar:

ClinVar aggregate classification (germline): Uncertain significance (1 of 4 stars; one submission).

Conditions:
Genitopatellar syndrome (GTPTS). Also called: ABSENT PATELLAE, SCROTAL HYPOPLASIA, RENAL ANOMALIES, FACIAL DYSMORPHISM, AND MENTAL RETARDATION; Genitopatellar syndrome (GPS). Identifiers: Orphanet 85201, MedGen C1853566, MONDO:0011640, OMIM 606170.

Submission:

Labcorp Genetics (formerly Invitae), Labcorp
Classification: Uncertain significance for Genitopatellar syndrome. Last evaluated: 2025-05-21. Review status: criteria provided, single submitter. Criteria: Invitae Variant Classification Sherloc (09022015). Collection method: clinical testing. Allele origin: germline.
Comment: This sequence change replaces asparagine, which is neutral and polar, with histidine, which is basic and polar, at codon 122 of the KAT6B protein (p.Asn122His). This variant is present in population databases (rs778245309, gnomAD 0.01%). This variant has not been reported in the literature in individuals affected with KAT6B-related conditions. Invitae Evidence Modeling of protein sequence and biophysical properties (such as structural, functional, and spatial information, amino acid conservation, physicochemical variation, residue mobility, and thermodynamic stability) indicates that this missense variant is not expected to disrupt KAT6B protein function with a negative predictive value of 80%. In summary, the available evidence is currently insufficient to determine the role of this variant in disease. Therefore, it has been classified as a Variant of Uncertain Significance.

NM_012330.4(KAT6B):c.364A>C (p.Asn122His)

Gene: KAT6B (lysine acetyltransferase 6B; plus strand). Cytogenetic location: 10q22.2.
Variant type: single nucleotide variant.
Coding change: c.364A>C on transcript NM_012330.4 (MANE Select); coding-DNA position 364, A replaced by C.
Protein change: p.Asn122His; replaces asparagine 122 with histidine.
Molecular consequence: missense variant. On other transcripts: 5 prime UTR variant (2).
Genome position (GRCh38, 1-based): chr10:74,843,221, A>C. VCF-style: chr10-74843221-A-C. GRCh37 (hg19) VCF-style: chr10-76602979-A-C.
Other names: c.364A>C, p.Asn122His (NM_001256468.2, NM_001256469.2, NM_001370132.1 and 10 more transcripts); c.-175A>C (NM_001370134.1, NM_001370135.1); short protein forms N122H.
Identifiers: ClinVar variation 4708497 (VCV004708497.1).